The following is an entry in ClinVar:

NM_000044.6(AR):c.302G>A (p.Arg101His)

Gene: AR (androgen receptor; plus strand). Cytogenetic location: Xq12.
Variant type: single nucleotide variant.
Coding change: c.302G>A on transcript NM_000044.6 (MANE Select); coding-DNA position 302, G replaced by A.
Protein change: p.Arg101His; replaces arginine 101 with histidine.
Molecular consequence: missense variant. On other transcripts: 5 prime UTR variant (1).
Genome position (GRCh38, 1-based): chrX:67,545,448, G>A. VCF-style: chrX-67545448-G-A. GRCh37 (hg19) VCF-style: chrX-66765290-G-A.
Other names: c.-1482G>A (NM_001011645.3); c.302G>A, p.Arg101His (NM_001348061.1, NM_001348063.1, NM_001348064.1 and 1 more transcripts); c.302G>A (NM_000044.3); short protein forms R101H.
Identifiers: ClinVar variation 2930876 (VCV002930876.4), dbSNP rs777689173, ClinGen allele CA10436267.

ClinVar aggregate classification (germline): Benign/Likely benign. Review status: criteria provided, multiple submitters, no conflicts (2 of 4 stars). 2 submissions from 2 submitters: Benign (1); Likely benign (1). Last evaluated 2026-02-26.

Conditions:
AR-related disorder. Also called: AR-related condition.
Androgen resistance syndrome (AIS). Also called: Androgen insensitivity syndrome; Androgen insensitivity, complete; Androgen insensitivity; DHTR DEFICIENCY; TESTICULAR FEMINIZATION SYNDROME; ANDROGEN RECEPTOR DEFICIENCY. Identifiers: Orphanet 754, Orphanet 99429, MedGen C0039585, MONDO:0019154, OMIM 300068. Disease mechanism: loss of function.
Kennedy disease (SMAX1). Also called: Spinal and Bulbar Muscular Atrophy; SPINAL AND BULBAR MUSCULAR ATROPHY, X-LINKED 1; KENNEDY SPINAL AND BULBAR MUSCULAR ATROPHY. Identifiers: Orphanet 481, MedGen C1839259, MONDO:0010735, OMIM 313200.

Allele frequency attached by ClinVar (database versions not stated): TOPMed 0.00002; gnomAD 0.00006; ExAC 0.00017; 1000 Genomes Project 30x 0.00062; 1000 Genomes Project 0.00079.
gnomAD v4.1: 19 of 1,198,176 alleles (0.0016%); highest among the groups gnomAD compares: East Asian, 0.051%; no homozygotes.

Submissions (2):

PreventionGenetics, part of Exact Sciences
Classification: Likely benign for AR-related condition. Last evaluated: 2026-02-26. Review status: criteria provided, single submitter. Criteria: ACMG Guidelines, 2015. Collection method: clinical testing. Allele origin: germline.
Comment: This variant is classified as likely benign based on ACMG/AMP sequence variant interpretation guidelines (Richards et al. 2015 PMID: 25741868, with internal and published modifications).

Labcorp Genetics (formerly Invitae), Labcorp
Classification: Benign for Kennedy disease; Androgen resistance syndrome. Last evaluated: 2024-02-28. Review status: criteria provided, single submitter. Criteria: Invitae Variant Classification Sherloc (09022015). Collection method: clinical testing. Allele origin: germline.